The following is an entry in ClinVar:

NM_003105.6(SORL1):c.4369+8C>G

Gene: SORL1 (sortilin related receptor 1; plus strand). Cytogenetic location: 11q24.1.
Variant type: single nucleotide variant.
Coding change: c.4369+8C>G on transcript NM_003105.6 (MANE Select); 8 bases into the intron after coding-DNA position 4369, C replaced by G.
Molecular consequence: intron variant.
Genome position (GRCh38, 1-based): chr11:121,591,164, C>G. VCF-style: chr11-121591164-C-G. GRCh37 (hg19) VCF-style: chr11-121461873-C-G.
Other names: c.4369+8C>G (NM_003105.5).
Identifiers: ClinVar variation 1905479 (VCV001905479.7), dbSNP rs200230280, ClinGen allele CA6329603.

ClinVar aggregate classification (germline): Likely benign. Review status: criteria provided, single submitter (1 of 4 stars). 2 submissions from 2 submitters: Likely benign (1). 1 of the submissions does not count toward it. Last evaluated 2024-09-06.

Conditions:
SORL1-related disorder. Also called: SORL1-related condition.

Allele frequency attached by ClinVar (database versions not stated): ExAC 0.00002; TOPMed 0.00002; gnomAD 0.00003.
gnomAD v4.1: 16 of 1,614,010 alleles (0.00099%); highest among the groups gnomAD compares: Middle Eastern, 0.017%; no homozygotes.

Submissions (2):

Labcorp Genetics (formerly Invitae), Labcorp
Classification: Likely benign. Last evaluated: 2024-09-06. Review status: criteria provided, single submitter. Criteria: Invitae Variant Classification Sherloc (09022015). Collection method: clinical testing. Allele origin: germline.

PreventionGenetics, part of Exact Sciences
Classification: Likely benign for SORL1-related condition. Last evaluated: 2019-03-26. Review status: no assertion criteria provided. Collection method: clinical testing. Allele origin: germline. Not counted in ClinVar's aggregate classification.
Comment: This variant is classified as likely benign based on ACMG/AMP sequence variant interpretation guidelines (Richards et al. 2015 PMID: 25741868, with internal and published modifications).